The following is an entry in ClinVar:

NM_001184900.3(CARD8):c.476G>A (p.Arg159His)

Gene: CARD8 (caspase recruitment domain family member 8; minus strand). Cytogenetic location: 19q13.33.
Variant type: single nucleotide variant.
Coding change: c.476G>A on transcript NM_001184900.3 (MANE Select); coding-DNA position 476, G replaced by A.
Protein change: p.Arg159His; replaces arginine 159 with histidine.
Molecular consequence: missense variant. On other transcripts: non-coding transcript variant (4).
Genome position (GRCh38, 1-based): chr19:48,231,726, C>T on the plus strand (G>A on the coding strand, the complement: CARD8 is on the minus strand). VCF-style: chr19-48231726-C-T. GRCh37 (hg19) VCF-style: chr19-48734983-C-T.
Other names: c.326G>A, p.Arg109His (NM_001184901.1, NM_001351783.2, NM_001351788.2 and 2 more transcripts); c.476G>A, p.Arg159His (NM_001184902.2, NM_001184903.1, NM_001351782.2); c.161G>A, p.Arg54His (NM_001351784.2, NM_001351787.2, NM_001351791.2 and 2 more transcripts); c.140G>A, p.Arg47His (NM_001351786.2); c.233G>A, p.Arg78His (NM_001351790.2); c.-347G>A (NM_001426741.1); short protein forms R109H, R54H, R159H, R78H, R47H.
Identifiers: ClinVar variation 2966022 (VCV002966022.3), dbSNP rs777557240, ClinGen allele CA9548010.

ClinVar aggregate classification (germline): Uncertain significance (1 of 4 stars; one submission).

Allele frequency attached by ClinVar (database versions not stated): TOPMed 0.00003; ExAC 0.00002.
gnomAD v4.1: 26 of 1,613,416 alleles (0.0016%); highest among the groups gnomAD compares: South Asian, 0.0033%; no homozygotes.

Submission:

Labcorp Genetics (formerly Invitae), Labcorp
Classification: Uncertain significance. Last evaluated: 2024-12-17. Review status: criteria provided, single submitter. Criteria: Invitae Variant Classification Sherloc (09022015). Collection method: clinical testing. Allele origin: germline.
Comment: This sequence change replaces arginine, which is basic and polar, with histidine, which is basic and polar, at codon 109 of the CARD8 protein (p.Arg109His). This variant is present in population databases (rs777557240, gnomAD 0.004%). This variant has not been reported in the literature in individuals affected with CARD8-related conditions. ClinVar contains an entry for this variant (Variation ID: 2966022). An algorithm developed to predict the effect of missense changes on protein structure and function outputs the following: PolyPhen-2: "Benign". The histidine amino acid residue is found in multiple mammalian species, which suggests that this missense change does not adversely affect protein function. In summary, the available evidence is currently insufficient to determine the role of this variant in disease. Therefore, it has been classified as a Variant of Uncertain Significance.